The following is an entry in ClinVar:

NM_001242896.3(DEPDC5):c.3380G>A (p.Gly1127Asp)

Gene: DEPDC5 (DEP domain containing 5, GATOR1 subcomplex subunit; plus strand). Cytogenetic location: 22q12.3.
Variant type: single nucleotide variant.
Coding change: c.3380G>A on transcript NM_001242896.3 (MANE Select); coding-DNA position 3380, G replaced by A.
Protein change: p.Gly1127Asp; replaces glycine 1127 with aspartic acid.
Molecular consequence: missense variant. On other transcripts: non-coding transcript variant (5).
Genome position (GRCh38, 1-based): chr22:31,870,639, G>A. VCF-style: chr22-31870639-G-A. GRCh37 (hg19) VCF-style: chr22-32266625-G-A.
Other names: c.3353G>A, p.Gly1118Asp (NM_001136029.4); c.3080G>A, p.Gly1027Asp (NM_001242897.2); c.3314G>A, p.Gly1105Asp (NM_001363852.2, NM_001364320.2); c.3146G>A, p.Gly1049Asp (NM_001363854.2, NM_001364319.2); c.3380G>A, p.Gly1127Asp (NM_001364318.2); c.3296G>A, p.Gly1099Asp (NM_001369901.1, NM_001369902.1); c.3287G>A, p.Gly1096Asp (NM_001369903.1, NM_014662.6); short protein forms G1027D, G1096D, G1127D, G1105D, G1049D, G1099D, G1118D.
Identifiers: ClinVar variation 1349882 (VCV001349882.7), dbSNP rs941078167, ClinGen allele CA323361385.
Genomic context (GRCh38, chr22:31,870,639, plus strand): 5'-ATCTCCTGCAGGTATCTGTGGACCAAACAGCCACTCCTATGTTGGACGGCACCAGTTTGG[G>A]CATATGCACAGGCCAATCCATGGACAGAGGCAACAGCCAGACCTTTGGGAACTCCCAGAA-3'
Protein context (NP_001229825.1, residues 1117-1137): ATPMLDGTSL[Gly1127Asp]ICTGQSMDRG

ClinVar aggregate classification (germline): Uncertain significance. Review status: criteria provided, multiple submitters, no conflicts (2 of 4 stars). 2 submissions from 2 submitters: Uncertain significance (2). Last evaluated 2022-02-06.

Conditions:
Familial focal epilepsy with variable foci (FPEVF). Identifiers: Orphanet 98820, MedGen C1858477, MONDO:0020310.

Allele frequency attached by ClinVar (database versions not stated): gnomAD 0.00001; TOPMed 0.00001.

Submissions (2):

GeneDx
Classification: Uncertain significance. Last evaluated: 2022-02-06. Review status: criteria provided, single submitter. Criteria: GeneDx Variant Classification Process June 2021. Collection method: clinical testing. Allele origin: germline. Affected: yes.
Comment: Not observed at significant frequency in large population cohorts (gnomAD); In silico analysis supports that this missense variant does not alter protein structure/function; Has not been previously published as pathogenic or benign to our knowledge

Labcorp Genetics (formerly Invitae), Labcorp
Classification: Uncertain significance for Familial focal epilepsy with variable foci. Last evaluated: 2021-11-06. Review status: criteria provided, single submitter. Criteria: Invitae Variant Classification Sherloc (09022015). Collection method: clinical testing. Allele origin: germline.
Comment: This sequence change replaces glycine, which is neutral and non-polar, with aspartic acid, which is acidic and polar, at codon 1127 of the DEPDC5 protein (p.Gly1127Asp). This variant is not present in population databases (gnomAD no frequency). This variant has not been reported in the literature in individuals affected with DEPDC5-related conditions. Algorithms developed to predict the effect of missense changes on protein structure and function are either unavailable or do not agree on the potential impact of this missense change (SIFT: "Tolerated"; PolyPhen-2: "Not Available"; Align-GVGD: "Class C0"). In summary, the available evidence is currently insufficient to determine the role of this variant in disease. Therefore, it has been classified as a Variant of Uncertain Significance.